The following is an entry in ClinVar:

NM_007294.4(BRCA1):c.5195A>T (p.His1732Leu)

Gene: BRCA1 (BRCA1 DNA repair associated; minus strand). Cytogenetic location: 17q21.31.
Variant type: single nucleotide variant.
Coding change: c.5195A>T on transcript NM_007294.4 (MANE Select); coding-DNA position 5195, A replaced by T.
Protein change: p.His1732Leu; replaces histidine 1732 with leucine.
Molecular consequence: missense variant. On other transcripts: non-coding transcript variant (1).
Genome position (GRCh38, 1-based): chr17:43,057,134, T>A on the plus strand (A>T on the coding strand, the complement: BRCA1 is on the minus strand). VCF-style: chr17-43057134-T-A. GRCh37 (hg19) VCF-style: chr17-41209151-T-A.
Other names: c.4982A>T, p.His1661Leu (NM_001407571.1, NM_001407900.1, NM_001407902.1 and 12 more transcripts); c.5261A>T, p.His1754Leu (NM_001407581.1, NM_001407582.1); c.5258A>T, p.His1753Leu (NM_001407583.1, NM_001407585.1, NM_001407587.1 and 1 more transcripts); c.5192A>T, p.His1731Leu (NM_001407610.1, NM_001407611.1, NM_001407612.1 and 17 more transcripts); c.5189A>T, p.His1730Leu (NM_001407629.1, NM_001407630.1, NM_001407631.1 and 14 more transcripts); c.5135A>T, p.His1712Leu (NM_001407649.1); c.5117A>T, p.His1706Leu (NM_001407652.1, NM_001407653.1, NM_001407654.1 and 1 more transcripts); c.5114A>T, p.His1705Leu (NM_001407656.1, NM_001407657.1, NM_001407658.1); and 72 more; short protein forms H1732L, H1753L, H1685L, H628L, H1605L, H1644L, H1661L, H1684L.
Identifiers: ClinVar variation 867834 (VCV000867834.3), dbSNP rs1597811076, ClinGen allele CA10591142.
Genomic context (GRCh38, chr17:43,057,134, plus strand): 5'-GCTCGCTTTGGACCTTGGTGGTTTCTTCCATTGACCACATCTCCTCTGACTTCAAAATCA[T>A]GCTGAAAGAAACCAAACACAACCCATCAGGATAAGAGAAAGAGAAGCTTCCTTCAATGGA-3'
Protein context (NP_009225.1, residues 1722-1742): SIKERKMLNE[His1732Leu]DFEVRGDVVN

Conditions:
Breast-ovarian cancer, familial, susceptibility to, 1 (BROVCA1). Also called: BRCA1 Hereditary Breast and Ovarian Cancer; OVARIAN CANCER, SUSCEPTIBILITY TO. Identifiers: Orphanet 145, MedGen C2676676, MONDO:0011450, OMIM 604370. Disease mechanism: loss of function.

Submission:

Brotman Baty Institute, University of Washington
No classification provided (evidence only). Condition: Breast-ovarian cancer, familial 1. Review status: no classification provided. Collection method: in vitro. Allele origin: not applicable. Functional consequence: functionally_normal.
ClinVar note: "not provided" was previously submitted as the classification for the variant. However, the classification appeared to be based only on an observation of functional data so it was converted to no classification on 2025-07-30.